The following is an entry in ClinVar:

ClinVar aggregate classification (germline): Uncertain significance (1 of 4 stars; one submission).

Conditions:
Pyridoxine-dependent epilepsy (EPEO4). Also called: Pyridoxine-Dependent Seizures; Pyridoxine-Dependent Epilepsy - ALDH7A1; PYRIDOXINE DEPENDENCY WITH SEIZURES; EPILEPSY, EARLY-ONSET, 4, VITAMIN B6-DEPENDENT. Identifiers: Orphanet 3006, MedGen C1849508, MONDO:0009945, OMIM 266100. Disease mechanism: loss of function.

Allele frequency attached by ClinVar (database versions not stated): gnomAD exomes below 0.00001.
gnomAD v4.1: 1 of 1,614,188 alleles (0.000062%); highest among the groups gnomAD compares: African/African-American, 0.0013%; no homozygotes.

Submission:

Labcorp Genetics (formerly Invitae), Labcorp
Classification: Uncertain significance for Pyridoxine-dependent epilepsy. Last evaluated: 2022-07-25. Review status: criteria provided, single submitter. Criteria: Invitae Variant Classification Sherloc (09022015). Collection method: clinical testing. Allele origin: germline.
Comment: This sequence change replaces valine, which is neutral and non-polar, with leucine, which is neutral and non-polar, at codon 385 of the ALDH7A1 protein (p.Val385Leu). This variant is not present in population databases (gnomAD no frequency). This variant has not been reported in the literature in individuals affected with ALDH7A1-related conditions. ClinVar contains an entry for this variant (Variation ID: 1524890). Advanced modeling of protein sequence and biophysical properties (such as structural, functional, and spatial information, amino acid conservation, physicochemical variation, residue mobility, and thermodynamic stability) performed at Invitae indicates that this missense variant is not expected to disrupt ALDH7A1 protein function. In summary, the available evidence is currently insufficient to determine the role of this variant in disease. Therefore, it has been classified as a Variant of Uncertain Significance.

NM_001182.5(ALDH7A1):c.1153G>C (p.Val385Leu)

Gene: ALDH7A1 (aldehyde dehydrogenase 7 family member A1; minus strand). Cytogenetic location: 5q23.2.
Variant type: single nucleotide variant.
Coding change: c.1153G>C on transcript NM_001182.5 (MANE Select); coding-DNA position 1153, G replaced by C.
Protein change: p.Val385Leu; replaces valine 385 with leucine.
Molecular consequence: missense variant. On other transcripts: intron variant (1).
Genome position (GRCh38, 1-based): chr5:126,554,334, C>G on the plus strand (G>C on the coding strand, the complement: ALDH7A1 is on the minus strand). VCF-style: chr5-126554334-C-G. GRCh37 (hg19) VCF-style: chr5-125890026-C-G.
Other names: c.1069G>C, p.Val357Leu (NM_001201377.2); c.1009-2197G>C (NM_001202404.2); short protein forms V357L, V385L.
Identifiers: ClinVar variation 1524890 (VCV001524890.5), dbSNP rs2112759864, ClinGen allele CA360723835.